The following is an entry in ClinVar:

ClinVar aggregate classification (germline): Uncertain significance (1 of 4 stars; one submission).

gnomAD v4.1: 59 of 1,613,720 alleles (0.0037%); highest among the groups gnomAD compares: Non-Finnish European, 0.0047%; no homozygotes.

Submission:

Labcorp Genetics (formerly Invitae), Labcorp
Classification: Uncertain significance. Last evaluated: 2025-11-03. Review status: criteria provided, single submitter. Criteria: Invitae Variant Classification Sherloc (09022015). Collection method: clinical testing. Allele origin: germline.
Comment: This sequence change replaces aspartic acid, which is acidic and polar, with valine, which is neutral and non-polar, at codon 1684 of the PHIP protein (p.Asp1684Val). This variant is present in population databases (rs769265811, gnomAD 0.002%). This variant has not been reported in the literature in individuals affected with PHIP-related conditions. Invitae Evidence Modeling of protein sequence and biophysical properties (such as structural, functional, and spatial information, amino acid conservation, physicochemical variation, residue mobility, and thermodynamic stability) indicates that this missense variant is not expected to disrupt PHIP protein function with a negative predictive value of 95%. In summary, the available evidence is currently insufficient to determine the role of this variant in disease. Therefore, it has been classified as a Variant of Uncertain Significance.

NM_017934.7(PHIP):c.5051A>T (p.Asp1684Val)

Genes: IRAK1BP1 (interleukin 1 receptor associated kinase 1 binding protein 1; plus strand), PHIP (PHIP subunit of CUL4-Ring ligase complex; minus strand). Cytogenetic location: 6q14.1.
Variant type: single nucleotide variant.
Coding change: c.5051A>T on transcript NM_017934.7 (MANE Select); coding-DNA position 5051, A replaced by T.
Protein change: p.Asp1684Val; replaces aspartic acid 1684 with valine.
Molecular consequence: missense variant.
Genome position (GRCh38, 1-based): chr6:78,941,108, T>A on the plus strand (A>T on the coding strand, the complement: PHIP is on the minus strand). VCF-style: chr6-78941108-T-A. GRCh37 (hg19) VCF-style: chr6-79650825-T-A.
Other names: short protein forms D1684V.
Identifiers: ClinVar variation 4780048 (VCV004780048.1).